The following is an entry in ClinVar:

ClinVar aggregate classification (germline): Pathogenic (1 of 4 stars; one submission).

Submission:

Labcorp Genetics (formerly Invitae), Labcorp
Classification: Pathogenic. Last evaluated: 2022-02-11. Review status: criteria provided, single submitter. Criteria: Invitae Variant Classification Sherloc (09022015). Collection method: clinical testing. Allele origin: germline.
Comment: For these reasons, this variant has been classified as Pathogenic. ClinVar contains an entry for this variant (Variation ID: 1074755). This variant has not been reported in the literature in individuals affected with COL4A3-related conditions. This variant is not present in population databases (gnomAD no frequency). This sequence change creates a premature translational stop signal (p.Gly1406Glufs*23) in the COL4A3 gene. It is expected to result in an absent or disrupted protein product. Loss-of-function variants in COL4A3 are known to be pathogenic (PMID: 8956999, 24854265, 26809805, 27281700).

Literature cited by the submitters: PubMed 8956999; PubMed 24854265; PubMed 26809805; PubMed 27281700.

NM_000091.5(COL4A3):c.4217del (p.Gly1406fs)

Genes: COL4A3 (collagen type IV alpha 3 chain; plus strand), MFF-DT (MFF divergent transcript; minus strand). Cytogenetic location: 2q36.3.
Variant type: Deletion.
Coding change: c.4217del on transcript NM_000091.5 (MANE Select); coding-DNA position 4217, one base deleted (G; older notation c.4217delG).
Protein change: p.Gly1406fs; shifts the reading frame from glycine 1406.
Molecular consequence: frameshift variant.
Genome position (GRCh38, 1-based): chr2:227,305,048, G deleted; the last of 2 consecutive G bases (chr2:227,305,047-227,305,048); deleting either gives the same sequence. VCF-style (leftmost placement, unchanged base first): chr2-227305046-TG-T. GRCh37 (hg19) VCF-style: chr2-228169762-TG-T.
Other names: short protein forms G1406fs.
Identifiers: ClinVar variation 1074755 (VCV001074755.7), dbSNP rs2106274574, ClinGen allele CA2499215751.